The following is an entry in ClinVar:

ClinVar aggregate classification (germline): Uncertain significance (1 of 4 stars; one submission).

Conditions:
Familial cancer of breast. Also called: BREAST CANCER, FAMILIAL; Hereditary breast cancer; hereditary breast carcinoma. Identifiers: Orphanet 227535, MedGen C0346153, MONDO:0016419, OMIM 114480. Disease mechanism: loss of function.

Submission:

Centre for Mendelian Genomics, University Medical Centre Ljubljana
Classification: Uncertain significance for Familial cancer of breast. Last evaluated: 2022-12-09. Review status: criteria provided, single submitter. Criteria: ACMG Guidelines, 2015. Collection method: research. Allele origin: germline. Affected: no.
Comment: PVS1, PM2_SUP

NM_000465.4(BARD1):c.1381G>T (p.Gly461Ter)

Gene: BARD1 (BRCA1 associated RING domain 1; minus strand). Cytogenetic location: 2q35.
Variant type: single nucleotide variant.
Coding change: c.1381G>T on transcript NM_000465.4 (MANE Select); coding-DNA position 1381, G replaced by T.
Protein change: p.Gly461Ter; replaces glycine 461 with a stop codon.
Molecular consequence: nonsense. On other transcripts: non-coding transcript variant (3), intron variant (3).
Genome position (GRCh38, 1-based): chr2:214,769,246, C>A on the plus strand (G>T on the coding strand, the complement: BARD1 is on the minus strand). VCF-style: chr2-214769246-C-A. GRCh37 (hg19) VCF-style: chr2-215633970-C-A.
Other names: c.1324G>T, p.Gly442Ter (NM_001282543.2); c.159-16691G>T (NM_001282548.2); c.216-16691G>T (NM_001282545.2); c.364+23051G>T (NM_001282549.2); short protein forms G442*, G461*.
Identifiers: ClinVar variation 1803768 (VCV001803768.2), dbSNP rs2106081129, ClinGen allele CA350450139.